The following is an entry in ClinVar:

NM_001113491.2(SEPTIN9):c.212C>T (p.Ser71Leu)

Gene: SEPTIN9 (septin 9; plus strand). Cytogenetic location: 17q25.3.
Variant type: single nucleotide variant.
Coding change: c.212C>T on transcript NM_001113491.2 (MANE Select); coding-DNA position 212, C replaced by T.
Protein change: p.Ser71Leu; replaces serine 71 with leucine.
Molecular consequence: missense variant. On other transcripts: 5 prime UTR variant (2).
Genome position (GRCh38, 1-based): chr17:77,402,194, C>T. VCF-style: chr17-77402194-C-T. GRCh37 (hg19) VCF-style: chr17-75398276-C-T.
Other names: c.-281C>T (NM_001113492.2, NM_001113494.1); c.191C>T, p.Ser64Leu (NM_001113493.2); c.155C>T, p.Ser52Leu (NM_001293695.2); c.158C>T, p.Ser53Leu (NM_006640.5); short protein forms S52L, S53L, S64L, S71L.
Identifiers: ClinVar variation 1682579 (VCV001682579.5), dbSNP rs2144098479, ClinGen allele CA401205722.

ClinVar aggregate classification (germline): Uncertain significance (1 of 4 stars; one submission).

Submission:

Labcorp Genetics (formerly Invitae), Labcorp
Classification: Uncertain significance. Last evaluated: 2022-01-07. Review status: criteria provided, single submitter. Criteria: Invitae Variant Classification Sherloc (09022015). Collection method: clinical testing. Allele origin: germline.
Comment: This sequence change replaces serine, which is neutral and polar, with leucine, which is neutral and non-polar, at codon 53 of the SEPT9 protein (p.Ser53Leu). This variant is not present in population databases (gnomAD no frequency). This variant has not been reported in the literature in individuals affected with SEPT9-related conditions. Algorithms developed to predict the effect of missense changes on protein structure and function output the following: SIFT: "Deleterious"; PolyPhen-2: "Benign"; Align-GVGD: "Class C0". The leucine amino acid residue is found in multiple mammalian species, which suggests that this missense change does not adversely affect protein function. In summary, the available evidence is currently insufficient to determine the role of this variant in disease. Therefore, it has been classified as a Variant of Uncertain Significance.